The following is an entry in ClinVar:

ClinVar aggregate classification (germline): Uncertain significance. Review status: criteria provided, multiple submitters, no conflicts (2 of 4 stars). 2 submissions from 2 submitters: Uncertain significance (2). Last evaluated 2025-08-18.

Conditions:
Hereditary cancer-predisposing syndrome. Also called: Hereditary neoplastic syndrome; Neoplastic Syndromes, Hereditary; Tumor predisposition; Hereditary Cancer Syndrome. Identifiers: Orphanet 140162, MedGen C0027672, MeSH D009386, MONDO:0015356.
Neuroblastoma, susceptibility to, 3. Also called: ALK-Related Neuroblastic Tumor Susceptibility. Identifiers: Orphanet 635, MedGen C2751681, MONDO:0013083, OMIM 613014.

Allele frequency attached by ClinVar (database versions not stated): gnomAD 0.00001; TOPMed 0.00002.
gnomAD v4.1: 2 of 1,613,998 alleles (0.00012%); highest among the groups gnomAD compares: Admixed American, 0.0033%; no homozygotes.

Submissions (2):

Labcorp Genetics (formerly Invitae), Labcorp
Classification: Uncertain significance for Neuroblastoma, susceptibility to, 3. Last evaluated: 2025-08-18. Review status: criteria provided, single submitter. Criteria: Invitae Variant Classification Sherloc (09022015). Collection method: clinical testing. Allele origin: germline.
Comment: This sequence change replaces serine, which is neutral and polar, with tyrosine, which is neutral and polar, at codon 1189 of the ALK protein (p.Ser1189Tyr). This variant is not present in population databases (gnomAD no frequency). This variant has not been reported in the literature in individuals affected with ALK-related conditions. ClinVar contains an entry for this variant (Variation ID: 470836). An algorithm developed to predict the effect of missense changes on protein structure and function (PolyPhen-2) suggests that this variant is likely to be tolerated. In summary, the available evidence is currently insufficient to determine the role of this variant in disease. Therefore, it has been classified as a Variant of Uncertain Significance.

Ambry Genetics
Classification: Uncertain significance for Hereditary cancer-predisposing syndrome. Last evaluated: 2024-05-05. Review status: criteria provided, single submitter. Criteria: Ambry Variant Classification Scheme 2023. Collection method: clinical testing. Allele origin: germline.
Comment: The p.S1189Y variant (also known as c.3566C>A), located in coding exon 23 of the ALK gene, results from a C to A substitution at nucleotide position 3566. The serine at codon 1189 is replaced by tyrosine, an amino acid with dissimilar properties. This amino acid position is poorly conserved in available vertebrate species. In addition, the in silico prediction for this alteration is inconclusive. Since supporting evidence is limited at this time, the clinical significance of this alteration remains unclear.

NM_004304.5(ALK):c.3566C>A (p.Ser1189Tyr)

Gene: ALK (ALK receptor tyrosine kinase; minus strand). Cytogenetic location: 2p23.2.
Variant type: single nucleotide variant.
Coding change: c.3566C>A on transcript NM_004304.5 (MANE Select); coding-DNA position 3566, C replaced by A.
Protein change: p.Ser1189Tyr; replaces serine 1189 with tyrosine.
Molecular consequence: missense variant.
Genome position (GRCh38, 1-based): chr2:29,220,785, G>T on the plus strand (C>A on the coding strand, the complement: ALK is on the minus strand). VCF-style: chr2-29220785-G-T. GRCh37 (hg19) VCF-style: chr2-29443651-G-T.
Other names: c.362C>A, p.Ser121Tyr (NM_001353765.2); short protein forms S1189Y, S121Y.
Identifiers: ClinVar variation 470836 (VCV000470836.12), dbSNP rs971799902, ClinGen allele CA44655575.